The following is an entry in ClinVar:

ClinVar aggregate classification (germline): Uncertain significance (1 of 4 stars; one submission).

Allele frequency attached by ClinVar (database versions not stated): TOPMed 0.00001; ExAC 0.00002.

Submission:

Labcorp Genetics (formerly Invitae), Labcorp
Classification: Uncertain significance. Last evaluated: 2022-05-09. Review status: criteria provided, single submitter. Criteria: Invitae Variant Classification Sherloc (09022015). Collection method: clinical testing. Allele origin: germline.
Comment: In summary, the available evidence is currently insufficient to determine the role of this variant in disease. Therefore, it has been classified as a Variant of Uncertain Significance. Algorithms developed to predict the effect of missense changes on protein structure and function are either unavailable or do not agree on the potential impact of this missense change (SIFT: "Deleterious"; PolyPhen-2: "Probably Damaging"; Align-GVGD: "Class C15"). This variant has not been reported in the literature in individuals affected with SCP2-related conditions. This variant is present in population databases (rs757402916, gnomAD 0.002%). This sequence change replaces glycine, which is neutral and non-polar, with arginine, which is basic and polar, at codon 84 of the SCP2 protein (p.Gly84Arg).

NM_002979.5(SCP2):c.250G>A (p.Gly84Arg)

Gene: SCP2 (sterol carrier protein 2; plus strand). Cytogenetic location: 1p32.3.
Variant type: single nucleotide variant.
Coding change: c.250G>A on transcript NM_002979.5 (MANE Select); coding-DNA position 250, G replaced by A.
Protein change: p.Gly84Arg; replaces glycine 84 with arginine.
Molecular consequence: missense variant. On other transcripts: intron variant (2).
Genome position (GRCh38, 1-based): chr1:52,950,805, G>A. VCF-style: chr1-52950805-G-A. GRCh37 (hg19) VCF-style: chr1-53416477-G-A.
Other names: c.178G>A, p.Gly60Arg (NM_001193599.2); c.7G>A, p.Gly3Arg (NM_001193617.2); c.250G>A, p.Gly84Arg (NM_001330587.2); c.199+2725G>A (NM_001193600.2, NM_001007098.3); short protein forms G3R, G60R, G84R.
Identifiers: ClinVar variation 1992484 (VCV001992484.4), dbSNP rs757402916, ClinGen allele CA857063.